The following is an entry in ClinVar:

ClinVar aggregate classification (germline): Pathogenic. Review status: criteria provided, multiple submitters, no conflicts (2 of 4 stars). 4 submissions from 4 submitters: Pathogenic (4). Last evaluated 2025-06-26.

Conditions:
Sotos syndrome (SOTOS). Also called: Sotos' syndrome; CHROMOSOME 5q35 DELETION SYNDROME; SOTOS SYNDROME 1; CEREBRAL GIGANTISM; Distinctive facial appearance, overgrowth in childhood, and learning disabilities or delayed development. Identifiers: Orphanet 821, MedGen C0175695, MONDO:0019349, OMIM 117550.

Submissions (4):

GeneDx
Classification: Pathogenic. Last evaluated: 2025-06-26. Review status: criteria provided, single submitter. Criteria: GeneDx Variant Classification Process June 2021. Collection method: clinical testing. Allele origin: germline. Affected: yes.
Comment: Identified in patients with Sotos syndrome, including at least one observation as an apparently de novo variant (PMID: 34405946, 15742365); Nonsense variant predicted to result in protein truncation or nonsense mediated decay in a gene for which loss of function is a known mechanism of disease; Not observed at significant frequency in large population cohorts (gnomAD); This variant is associated with the following publications: (PMID: 25525159, 15942875, 27834868, 34405946, 15742365)

Labcorp Genetics (formerly Invitae), Labcorp
Classification: Pathogenic. Last evaluated: 2022-12-31. Review status: criteria provided, single submitter. Criteria: Invitae Variant Classification Sherloc (09022015). Collection method: clinical testing. Allele origin: germline.
Comment: This sequence change creates a premature translational stop signal (p.Arg632*) in the NSD1 gene. It is expected to result in an absent or disrupted protein product. Loss-of-function variants in NSD1 are known to be pathogenic (PMID: 12464997, 14571271, 15942875, 16247291). For these reasons, this variant has been classified as Pathogenic. ClinVar contains an entry for this variant (Variation ID: 945158). This premature translational stop signal has been observed in individuals with Sotos syndrome (PMID: 15742365, 27834868). This variant is not present in population databases (gnomAD no frequency).

Laboratorio de Genetica e Diagnostico Molecular, Hospital Israelita Albert Einstein
Classification: Pathogenic for Sotos syndrome. Last evaluated: 2022-10-07. Review status: criteria provided, single submitter. Criteria: ACMG Guidelines, 2015. Collection method: clinical testing. Allele origin: germline. Affected: yes. Observed: 1 variant allele.
Comment: ACMG classification criteria: PVS1 very strong, PS4 moderated, PM2 moderated, PM6 moderated

Dasa
Classification: Pathogenic. Last evaluated: 2022-03-05. Review status: criteria provided, single submitter. Criteria: ACMG Guidelines, 2015. Collection method: clinical testing. Allele origin: germline. Affected: yes. Observed: 1 variant allele.
Comment: The c.1894C>T;p.(Arg632*) variant creates a premature translational stop signal in the NSD1 gene. It is expected to result in an absent or disrupted protein product - PVS1. This sequence change has been observed in affected individual(s) and ClinVar contains an entry for this variant (PMID: 15742365; PMID: 27834868) - PS4. This variant is not present in population databases (- gnomAD; ABraOM no frequency) - PM2. The variant was assumed de novo, but without confirmation of paternity and maternity (PMID: 15742365) - PM6. In summary, the currently available evidence indicates that the variant is pathogenic.

Literature cited by the submitters: PubMed 12464997 (cited by Labcorp Genetics (formerly Invitae), Labcorp); PubMed 14571271 (cited by Labcorp Genetics (formerly Invitae), Labcorp); PubMed 15942875 (cited by Labcorp Genetics (formerly Invitae), Labcorp); PubMed 16247291 (cited by Labcorp Genetics (formerly Invitae), Labcorp); PubMed 15742365 (cited by Labcorp Genetics (formerly Invitae), Labcorp and Dasa); PubMed 27834868 (cited by Labcorp Genetics (formerly Invitae), Labcorp and Dasa).

NM_022455.5(NSD1):c.1894C>T (p.Arg632Ter)

Gene: NSD1 (nuclear receptor binding SET domain protein 1; plus strand). Cytogenetic location: 5q35.3.
Variant type: single nucleotide variant.
Coding change: c.1894C>T on transcript NM_022455.5 (MANE Select); coding-DNA position 1894, C replaced by T.
Protein change: p.Arg632Ter; replaces arginine 632 with a stop codon.
Molecular consequence: nonsense.
Genome position (GRCh38, 1-based): chr5:177,210,293, C>T. VCF-style: chr5-177210293-C-T. GRCh37 (hg19) VCF-style: chr5-176637294-C-T.
Other names: c.1021C>T, p.Arg341Ter (NM_172349.5, NM_001365684.2, NM_001409306.1 and 3 more transcripts); c.1894C>T, p.Arg632Ter (NM_001409301.1, NM_001409302.1, NM_001409303.1); c.1474C>T, p.Arg492Ter (NM_001409304.1); c.1141C>T, p.Arg381Ter (NM_001409305.1); short protein forms R632*, R363*, R492*, R341*, R381*.
Identifiers: ClinVar variation 945158 (VCV000945158.15), dbSNP rs1481136060, ClinGen allele CA362312104.